The following is an entry in ClinVar:

NM_001034850.3(RETREG1):c.1418C>G (p.Thr473Arg)

Gene: RETREG1 (reticulophagy regulator 1; minus strand). Cytogenetic location: 5p15.1.
Variant type: single nucleotide variant.
Coding change: c.1418C>G on transcript NM_001034850.3 (MANE Select); coding-DNA position 1418, C replaced by G.
Protein change: p.Thr473Arg; replaces threonine 473 with arginine.
Molecular consequence: missense variant.
Genome position (GRCh38, 1-based): chr5:16,474,817, G>C on the plus strand (C>G on the coding strand, the complement: RETREG1 is on the minus strand). VCF-style: chr5-16474817-G-C. GRCh37 (hg19) VCF-style: chr5-16474926-G-C.
Other names: c.995C>G, p.Thr332Arg (NM_019000.5); c.1418C>G (NM_001034850.1); short protein forms T473R, T332R.
Identifiers: ClinVar variation 470689 (VCV000470689.10), dbSNP rs1186811814, ClinGen allele CA359255555.
Genomic context (GRCh38, chr5:16,474,817, plus strand): 5'-AGATTTGAAAGGAAACCTGAAGACTTCTTATTTTGCTGTGCTTCTGCTTCCTGGTCTTGT[G>C]TAAGTCCCAATTCACTCTCAATTTGATCCAGCTCTGACTGGTCAAGTAGTTCAAAGTCAT-3'
Protein context (NP_001030022.1, residues 463-483): LDQIESELGL[Thr473Arg]QDQEAEAQQN

ClinVar aggregate classification (germline): Uncertain significance. Review status: criteria provided, multiple submitters, no conflicts (2 of 4 stars). 3 submissions from 3 submitters: Uncertain significance (3). Last evaluated 2025-08-28.

Conditions:
Inborn genetic diseases. Identifiers: MedGen C0950123, MeSH D030342.
Neuropathy, hereditary sensory and autonomic, type 2B (HSAN2B). Also called: RETREG1-Related HSAN2 (HSAN2B). Identifiers: Orphanet 970, MedGen C2751092, MONDO:0013142, OMIM 613115.

Allele frequency attached by ClinVar (database versions not stated): gnomAD 0.00002.
gnomAD v4.1: 35 of 1,613,682 alleles (0.0022%); highest among the groups gnomAD compares: Non-Finnish European, 0.0028%; no homozygotes.

Submissions (3):

Ambry Genetics
Classification: Uncertain significance for Inborn genetic diseases. Last evaluated: 2025-08-28. Review status: criteria provided, single submitter. Criteria: Ambry Variant Classification Scheme 2023. Collection method: clinical testing. Allele origin: germline.

Labcorp Genetics (formerly Invitae), Labcorp
Classification: Uncertain significance. Last evaluated: 2021-08-30. Review status: criteria provided, single submitter. Criteria: Invitae Variant Classification Sherloc (09022015). Collection method: clinical testing. Allele origin: germline.
Comment: This sequence change replaces threonine with arginine at codon 473 of the RETREG1 protein (p.Thr473Arg). The threonine residue is weakly conserved and there is a moderate physicochemical difference between threonine and arginine. This variant is not present in population databases (ExAC no frequency). This variant has not been reported in the literature in individuals affected with RETREG1-related conditions. Algorithms developed to predict the effect of missense changes on protein structure and function (SIFT, PolyPhen-2, Align-GVGD) all suggest that this variant is likely to be tolerated. In summary, the available evidence is currently insufficient to determine the role of this variant in disease. Therefore, it has been classified as a Variant of Uncertain Significance.

Illumina Laboratory Services, Illumina
Classification: Uncertain significance for Neuropathy, hereditary sensory and autonomic, type 2B. Last evaluated: 2018-01-12. Review status: criteria provided, single submitter. Criteria: ICSL Variant Classification Criteria 13 December 2019. Collection method: clinical testing. Allele origin: germline.